The following is an entry in ClinVar:

ClinVar aggregate classification (germline): Uncertain significance (1 of 4 stars; one submission).

Submission:

Ambry Genetics
Classification: Uncertain significance. Last evaluated: 2021-02-08. Review status: criteria provided, single submitter. Criteria: Ambry Variant Classification Scheme 2023. Collection method: clinical testing. Allele origin: germline.
Comment: The c.693_694delTG variant, located in coding exon 3 of the GALNT12 gene, results from a deletion of two nucleotides at nucleotide positions 693 to 694, causing a translational frameshift with a predicted alternate stop codon (p.C231*). This alteration is expected to result in premature protein truncation or nonsense-mediated mRNA decay. However, the gene-disease association for GALNT12 is limited. Since supporting evidence is limited at this time, the clinical significance of this alteration remains unclear.

NM_024642.5(GALNT12):c.693_694del (p.Cys231_Glu232delinsTer)

Gene: GALNT12 (polypeptide N-acetylgalactosaminyltransferase 12; plus strand). Cytogenetic location: 9q22.33.
Variant type: Microsatellite.
Coding change: c.693_694del on transcript NM_024642.5 (MANE Select); coding-DNA positions 693 to 694, 2 bases deleted (TG; older notation c.693_694delTG).
Protein change: p.Cys231_Glu232delinsTer.
Molecular consequence: nonsense.
Genome position (GRCh38, 1-based): chr9:98,826,903-98,826,904, TG deleted; deleting any 2 consecutive bases within chr9:98,826,901-98,826,904 gives the same sequence; the c. name uses the placement nearest the transcript's 3' end. VCF-style (leftmost placement, unchanged base first): chr9-98826900-CTG-C. GRCh37 (hg19) VCF-style: chr9-101589182-CTG-C.
Identifiers: ClinVar variation 1756211 (VCV001756211.2), dbSNP rs2490502431, ClinGen allele CA2580616261.